The following is an entry in ClinVar:

ClinVar aggregate classification (germline): Uncertain significance. Review status: criteria provided, multiple submitters, no conflicts (2 of 4 stars). 2 submissions from 2 submitters: Uncertain significance (2). Last evaluated 2025-03-25.

Conditions:
Adams-Oliver syndrome 5 (AOS5). Identifiers: Orphanet 974, MedGen C4014970, MONDO:0014459, OMIM 616028.

gnomAD v4.1: 2 of 1,612,720 alleles (0.00012%); highest among the groups gnomAD compares: Non-Finnish European, 0.00017%; no homozygotes.

Submissions (2):

GeneDx
Classification: Uncertain significance. Last evaluated: 2025-03-25. Review status: criteria provided, single submitter. Criteria: GeneDx Variant Classification Process June 2021. Collection method: clinical testing. Allele origin: germline. Affected: yes.
Comment: Not observed at significant frequency in large population cohorts (gnomAD); In silico analysis supports a deleterious effect on splicing; Has not been previously published as pathogenic or benign to our knowledge

Labcorp Genetics (formerly Invitae), Labcorp
Classification: Uncertain significance for Adams-Oliver syndrome 5. Last evaluated: 2022-06-15. Review status: criteria provided, single submitter. Criteria: Invitae Variant Classification Sherloc (09022015). Collection method: clinical testing. Allele origin: germline.
Comment: This variant has not been reported in the literature in individuals affected with NOTCH1-related conditions. This variant is not present in population databases (gnomAD no frequency). This sequence change falls in intron 4 of the NOTCH1 gene. It does not directly change the encoded amino acid sequence of the NOTCH1 protein. Algorithms developed to predict the effect of sequence changes on RNA splicing suggest that this variant may create or strengthen a splice site. In summary, the available evidence is currently insufficient to determine the role of this variant in disease. Therefore, it has been classified as a Variant of Uncertain Significance.

NM_017617.5(NOTCH1):c.743-5G>A

Genes: MIR4673 (microRNA 4673; minus strand), NOTCH1 (notch receptor 1; minus strand). Cytogenetic location: 9q34.3.
Variant type: single nucleotide variant.
Coding change: c.743-5G>A on transcript NM_017617.5 (MANE Select); 5 bases into the intron before coding-DNA position 743, G replaced by A.
Molecular consequence: intron variant. On other transcripts: non-coding transcript variant (1).
Genome position (GRCh38, 1-based): chr9:136,519,570, C>T on the plus strand (G>A on the coding strand, the complement: NOTCH1 is on the minus strand). VCF-style: chr9-136519570-C-T. GRCh37 (hg19) VCF-style: chr9-139414022-C-T.
Identifiers: ClinVar variation 2072342 (VCV002072342.5), dbSNP rs2540463852, ClinGen allele CA467719620.